The following is an entry in ClinVar:

NM_004260.4(RECQL4):c.3476C>A (p.Ala1159Asp)

Gene: RECQL4 (RecQ like helicase 4; minus strand). Cytogenetic location: 8q24.3.
Variant type: single nucleotide variant.
Coding change: c.3476C>A on transcript NM_004260.4 (MANE Select); coding-DNA position 3476, C replaced by A.
Protein change: p.Ala1159Asp; replaces alanine 1159 with aspartic acid.
Molecular consequence: missense variant.
Genome position (GRCh38, 1-based): chr8:144,511,707, G>T on the plus strand (C>A on the coding strand, the complement: RECQL4 is on the minus strand). VCF-style: chr8-144511707-G-T. GRCh37 (hg19) VCF-style: chr8-145737090-G-T.
Other names: short protein forms A1159D.
Identifiers: ClinVar variation 1026687 (VCV001026687.3), dbSNP rs766385605, ClinGen allele CA4947724.

ClinVar aggregate classification (germline): Uncertain significance (1 of 4 stars; one submission).

Conditions:
Baller-Gerold syndrome (BGS). Also called: CRANIOSYNOSTOSIS WITH RADIAL DEFECTS. Identifiers: Orphanet 1225, MedGen C0265308, MONDO:0009039, OMIM 218600.

Allele frequency attached by ClinVar (database versions not stated): gnomAD exomes below 0.00001; TOPMed below 0.00001; ExAC 0.00001.
gnomAD v4.1: 1 of 1,612,544 alleles (0.000062%); highest among the groups gnomAD compares: Non-Finnish European, 0.000085%; no homozygotes.

Submission:

Labcorp Genetics (formerly Invitae), Labcorp
Classification: Uncertain significance for Baller-Gerold syndrome. Last evaluated: 2023-10-04. Review status: criteria provided, single submitter. Criteria: Invitae Variant Classification Sherloc (09022015). Collection method: clinical testing. Allele origin: germline.
Comment: This sequence change replaces alanine, which is neutral and non-polar, with aspartic acid, which is acidic and polar, at codon 1159 of the RECQL4 protein (p.Ala1159Asp). This variant is present in population databases (rs766385605, gnomAD 0.0009%). This variant has not been reported in the literature in individuals affected with RECQL4-related conditions. ClinVar contains an entry for this variant (Variation ID: 1026687). Advanced modeling of protein sequence and biophysical properties (such as structural, functional, and spatial information, amino acid conservation, physicochemical variation, residue mobility, and thermodynamic stability) performed at Invitae indicates that this missense variant is expected to disrupt RECQL4 protein function. In summary, the available evidence is currently insufficient to determine the role of this variant in disease. Therefore, it has been classified as a Variant of Uncertain Significance.